The following is an entry in ClinVar:

ClinVar aggregate classification (germline): Uncertain significance (1 of 4 stars; one submission).

Conditions:
Congenital myasthenic syndrome 8. Also called: MYASTHENIC SYNDROME, CONGENITAL, DUE TO AGRIN DEFICIENCY; Myasthenic syndrome, congenital, 8, with pre- and postsynaptic defects. Identifiers: Orphanet 590, MedGen C3808739, MONDO:0014052, OMIM 615120.

Submission:

Labcorp Genetics (formerly Invitae), Labcorp
Classification: Uncertain significance for Congenital myasthenic syndrome 8. Last evaluated: 2022-05-12. Review status: criteria provided, single submitter. Criteria: Invitae Variant Classification Sherloc (09022015). Collection method: clinical testing. Allele origin: germline.
Comment: In summary, the available evidence is currently insufficient to determine the role of this variant in disease. Therefore, it has been classified as a Variant of Uncertain Significance. Algorithms developed to predict the effect of missense changes on protein structure and function are either unavailable or do not agree on the potential impact of this missense change (SIFT: "Deleterious"; PolyPhen-2: "Probably Damaging"; Align-GVGD: "Class C0"). This variant has not been reported in the literature in individuals affected with AGRN-related conditions. This variant is not present in population databases (gnomAD no frequency). This sequence change replaces glycine, which is neutral and non-polar, with valine, which is neutral and non-polar, at codon 1650 of the AGRN protein (p.Gly1650Val).

NM_198576.4(AGRN):c.4949G>T (p.Gly1650Val)

Gene: AGRN (agrin; plus strand). Cytogenetic location: 1p36.33.
Variant type: single nucleotide variant.
Coding change: c.4949G>T on transcript NM_198576.4 (MANE Select); coding-DNA position 4949, G replaced by T.
Protein change: p.Gly1650Val; replaces glycine 1650 with valine.
Molecular consequence: missense variant.
Genome position (GRCh38, 1-based): chr1:1,050,302, G>T. VCF-style: chr1-1050302-G-T. GRCh37 (hg19) VCF-style: chr1-985682-G-T.
Other names: c.4949G>T, p.Gly1650Val (NM_001305275.2); c.4634G>T, p.Gly1545Val (NM_001364727.2); short protein forms G1650V, G1545V.
Identifiers: ClinVar variation 2130219 (VCV002130219.4), dbSNP rs1224140155, ClinGen allele CA337779752.